The following is an entry in ClinVar:

NM_004655.4(AXIN2):c.957-20T>C

Gene: AXIN2 (axin 2; minus strand). Cytogenetic location: 17q24.1.
Variant type: single nucleotide variant.
Coding change: c.957-20T>C on transcript NM_004655.4 (MANE Select); 20 bases into the intron before coding-DNA position 957, T replaced by C.
Molecular consequence: intron variant.
Genome position (GRCh38, 1-based): chr17:65,541,577, A>G on the plus strand (T>C on the coding strand, the complement: AXIN2 is on the minus strand). VCF-style: chr17-65541577-A-G. GRCh37 (hg19) VCF-style: chr17-63537695-A-G.
Other names: c.957-20T>C (NM_001363813.1).
Identifiers: ClinVar variation 3254319 (VCV003254319.2), dbSNP rs2044044244.

ClinVar aggregate classification (germline): Likely benign. Review status: criteria provided, multiple submitters, no conflicts (2 of 4 stars). 2 submissions from 2 submitters: Likely benign (2). Last evaluated 2025-06-09.

Conditions:
Oligodontia-cancer predisposition syndrome. Also called: TOOTH AGENESIS-COLORECTAL CANCER SYNDROME. Identifiers: Orphanet 300576, MedGen C1837750, MONDO:0012075, OMIM 608615. Disease mechanism: loss of function.

Allele frequency attached by ClinVar (database versions not stated): TOPMed below 0.00001.

Submissions (2):

Labcorp Genetics (formerly Invitae), Labcorp
Classification: Likely benign for Oligodontia-cancer predisposition syndrome. Last evaluated: 2025-06-09. Review status: criteria provided, single submitter. Criteria: Invitae Variant Classification Sherloc (09022015). Collection method: clinical testing. Allele origin: germline.

Myriad Genetics, Inc.
Classification: Likely benign for Oligodontia-cancer predisposition syndrome. Last evaluated: 2024-06-28. Review status: criteria provided, single submitter. Criteria: Myriad Autosomal Dominant, Autosomal Recessive and X-Linked Classification Criteria (2023). Collection method: clinical testing. Allele origin: unknown.
Comment: This variant is considered likely benign. This variant is intronic and is not expected to impact mRNA splicing.